The following is an entry in ClinVar:

NC_000023.10:g.(?_76759356)_(77042755_?)del

Gene: ATRX (ATRX chromatin remodeler; minus strand). Cytogenetic location: Xq21.1.
Variant type: Deletion.
Identifiers: ClinVar variation 1072394 (VCV001072394.3).

ClinVar aggregate classification (germline): Pathogenic (1 of 4 stars; one submission).

Conditions:
Alpha thalassemia-X-linked intellectual disability syndrome (ATRX). Also called: ALPHA-THALASSEMIA/MENTAL RETARDATION SYNDROME, X-LINKED; ATR, NONDELETION TYPE; ATR-X syndrome; Alpha thalassemia mental retardation syndrome, nondeletion type, X-linked; XLMR hypotonic face syndrome; X-linked alpha-thalassemia-mental retardation syndrome. Identifiers: Orphanet 847, MedGen C1845055, MONDO:0010519, OMIM 301040.

Submission:

Labcorp Genetics (formerly Invitae), Labcorp
Classification: Pathogenic for Alpha thalassemia-X-linked intellectual disability syndrome. Last evaluated: 2022-07-11. Review status: criteria provided, single submitter. Criteria: Invitae Variant Classification Sherloc (09022015). Collection method: clinical testing. Allele origin: germline.
Comment: This variant has not been reported in the literature in individuals affected with ATRX-related conditions. A gross deletion of the genomic region encompassing the full coding sequence of the ATRX gene has been identified. Loss-of-function variants in ATRX are known to be pathogenic (PMID: 15591283, 18409179, 23681356). The boundaries of this event are unknown as they extend beyond the assayed region for this gene and therefore may encompass additional genes. For these reasons, this variant has been classified as Pathogenic.

Literature cited by the submitters: PubMed 15591283; PubMed 18409179; PubMed 23681356.